The following is an entry in ClinVar:

NM_006493.4(CLN5):c.120C>T (p.Gly40=)

Genes: CLN5 (CLN5 lysosomal BMP synthase; plus strand), LOC130009913 (ATAC-STARR-seq lymphoblastoid silent region 5414; plus strand). Cytogenetic location: 13q22.3.
Variant type: single nucleotide variant.
Coding change: c.120C>T on transcript NM_006493.4 (MANE Select); coding-DNA position 120, C replaced by T.
Protein change: p.Gly40=; no amino-acid change (glycine 40 retained).
Molecular consequence: synonymous variant.
Genome position (GRCh38, 1-based): chr13:76,992,218, C>T. VCF-style: chr13-76992218-C-T. GRCh37 (hg19) VCF-style: chr13-77566353-C-T.
Other names: c.267C>T (LRG_692t1); c.120C>T, p.Gly40= (NM_001366624.2).
Identifiers: ClinVar variation 506699 (VCV000506699.11), dbSNP rs370320230, ClinGen allele CA7007126.

ClinVar aggregate classification (germline): Likely benign. Review status: criteria provided, multiple submitters, no conflicts (2 of 4 stars). 4 submissions from 4 submitters: Likely benign (4). Last evaluated 2026-02-02.

Conditions:
Neuronal ceroid lipofuscinosis 5 (CLN5). Also called: CEROID LIPOFUSCINOSIS, NEURONAL, 5, VARIABLE AGE AT ONSET; CLN5-Related Neuronal Ceroid-Lipofuscinosis; Neuronal ceroid lipofuscinosis Finnish variant; NEURONAL CEROID LIPOFUSCINOSIS, LATE INFANTILE, FINNISH VARIANT. Identifiers: Orphanet 168491, Orphanet 228360, MedGen C1850442, MONDO:0009745, OMIM 256731.
Neuronal ceroid lipofuscinosis. Also called: Neuronal Ceroid Lipofuscinoses. Identifiers: Orphanet 216, Orphanet 79263, MedGen C0027877, MONDO:0016295. Disease mechanism: loss of function.

Allele frequency attached by ClinVar (database versions not stated): ExAC below 0.00001; gnomAD exomes 0.00001 and 0.00003; gnomAD 0.00007 and 0.00008; ESP Exome Variant Server 0.00008; TOPMed 0.00011.

Submissions (4):

Labcorp Genetics (formerly Invitae), Labcorp
Classification: Likely benign for Neuronal ceroid lipofuscinosis. Last evaluated: 2026-02-02. Review status: criteria provided, single submitter. Criteria: Invitae Variant Classification Sherloc (09022015). Collection method: clinical testing. Allele origin: germline.

Blueprint Genetics
Classification: Likely benign. Last evaluated: 2024-02-19. Review status: criteria provided, single submitter. Criteria: ACMG Guidelines, 2015. Collection method: clinical testing. Allele origin: germline.

Genome-Nilou Lab
Classification: Likely benign for Neuronal ceroid lipofuscinosis 5. Last evaluated: 2021-08-10. Review status: criteria provided, single submitter. Criteria: ACMG Guidelines, 2015. Collection method: clinical testing. Allele origin: germline. Affected: no.

GeneDx
Classification: Likely benign. Last evaluated: 2017-12-27. Review status: criteria provided, single submitter. Criteria: GeneDx Variant Classification (06012015). Collection method: clinical testing. Allele origin: germline. Affected: yes.
Comment: This variant is considered likely benign or benign based on one or more of the following criteria: it is a conservative change, it occurs at a poorly conserved position in the protein, it is predicted to be benign by multiple in silico algorithms, and/or has population frequency not consistent with disease.